The following is an entry in ClinVar:

ClinVar aggregate classification (germline): Uncertain significance (1 of 4 stars; one submission).

Conditions:
Neuropathy, hereditary sensory and autonomic, type 2A (HSAN2A). Also called: MORVAN DISEASE; NEUROPATHY, CONGENITAL SENSORY; NEUROPATHY, HEREDITARY SENSORY RADICULAR, AUTOSOMAL RECESSIVE; NEUROPATHY, HEREDITARY SENSORY, TYPE IIA; NEUROPATHY, PROGRESSIVE SENSORY, OF CHILDREN; ACROOSTEOLYSIS, GIACCAI TYPE. Identifiers: Orphanet 970, MedGen C2752089, MONDO:0024309, OMIM 201300.
Generalized epilepsy with febrile seizures plus, type 7 (GEFSP7). Also called: GEFS+, TYPE 7. Identifiers: Orphanet 36387, MedGen C2751778, MONDO:0013470, OMIM 613863.

Allele frequency attached by ClinVar (database versions not stated): gnomAD exomes below 0.00001.
gnomAD v4.1: 1 of 1,592,298 alleles (0.000063%); highest among the groups gnomAD compares: Non-Finnish European, 0.000086%; no homozygotes.

Submission:

Labcorp Genetics (formerly Invitae), Labcorp
Classification: Uncertain significance for Neuropathy, hereditary sensory and autonomic, type 2A; Generalized epilepsy with febrile seizures plus, type 7. Last evaluated: 2023-11-13. Review status: criteria provided, single submitter. Criteria: Invitae Variant Classification Sherloc (09022015). Collection method: clinical testing. Allele origin: germline.
Comment: This sequence change replaces asparagine, which is neutral and polar, with lysine, which is basic and polar, at codon 714 of the SCN9A protein (p.Asn714Lys). This variant is not present in population databases (gnomAD no frequency). This variant has not been reported in the literature in individuals affected with SCN9A-related conditions. Advanced modeling of protein sequence and biophysical properties (such as structural, functional, and spatial information, amino acid conservation, physicochemical variation, residue mobility, and thermodynamic stability) performed at Invitae indicates that this missense variant is not expected to disrupt SCN9A protein function with a negative predictive value of 95%. In summary, the available evidence is currently insufficient to determine the role of this variant in disease. Therefore, it has been classified as a Variant of Uncertain Significance.

NM_001365536.1(SCN9A):c.2175T>A (p.Asn725Lys)

Genes: SCN1A-AS1 (SCN1A and SCN9A antisense RNA 1; plus strand), SCN9A (sodium voltage-gated channel alpha subunit 9; minus strand). Cytogenetic location: 2q24.3.
Variant type: single nucleotide variant.
Coding change: c.2175T>A on transcript NM_001365536.1 (MANE Select); coding-DNA position 2175, T replaced by A.
Protein change: p.Asn725Lys; replaces asparagine 725 with lysine.
Molecular consequence: missense variant.
Genome position (GRCh38, 1-based): chr2:166,280,525, A>T on the plus strand (T>A on the coding strand, the complement: SCN9A is on the minus strand). VCF-style: chr2-166280525-A-T. GRCh37 (hg19) VCF-style: chr2-167137035-A-T.
Other names: c.2142T>A, p.Asn714Lys (NM_002977.4); short protein forms N714K, N725K.
Identifiers: ClinVar variation 2934538 (VCV002934538.3), dbSNP rs2468019874, ClinGen allele CA349079798.